The following is an entry in ClinVar:

ClinVar aggregate classification (germline): Benign (1 of 4 stars; one submission).

Conditions:
Hereditary diffuse gastric adenocarcinoma (HDGC). Also called: DIFFUSE GASTRIC AND LOBULAR BREAST CANCER SYNDROME. Identifiers: Orphanet 26106, MedGen C1708349, MONDO:0007648, OMIM 137215.

Submission:

Myriad Genetics, Inc.
Classification: Benign for Hereditary diffuse gastric adenocarcinoma. Last evaluated: 2024-10-15. Review status: criteria provided, single submitter. Criteria: Myriad Autosomal Dominant, Autosomal Recessive and X-Linked Classification Criteria (2023). Collection method: clinical testing. Allele origin: unknown.
Comment: This variant is considered benign. This variant is a silent/synonymous amino acid change and it is not expected to impact splicing.

NM_001903.5(CTNNA1):c.2329C>T (p.Leu777=)

Gene: CTNNA1 (catenin alpha 1; plus strand). Cytogenetic location: 5q31.2.
Variant type: single nucleotide variant.
Coding change: c.2329C>T on transcript NM_001903.5 (MANE Select); coding-DNA position 2329, C replaced by T.
Protein change: p.Leu777=; no amino-acid change (leucine 777 retained).
Molecular consequence: synonymous variant. On other transcripts: intron variant (1).
Genome position (GRCh38, 1-based): chr5:138,932,608, C>T. VCF-style: chr5-138932608-C-T. GRCh37 (hg19) VCF-style: chr5-138268297-C-T.
Other names: c.2329C>T, p.Leu777= (NM_001290307.3, NM_001323982.2, NM_001323983.1 and 2 more transcripts); c.2020C>T, p.Leu674= (NM_001290309.3); c.1960C>T, p.Leu654= (NM_001290310.3); c.1219C>T, p.Leu407= (NM_001290312.1, NM_001323987.1, NM_001323988.1 and 16 more transcripts); c.2236C>T, p.Leu746= (NM_001323986.2); c.880C>T, p.Leu294= (NM_001324006.1, NM_001324007.1, NM_001324008.1 and 2 more transcripts); c.1126C>T, p.Leu376= (NM_001324011.1); c.976C>T, p.Leu326= (NM_001324012.1, NM_001324013.1); and 1 more.
Identifiers: ClinVar variation 3773202 (VCV003773202.1).
Genomic context (GRCh38, chr5:138,932,608, plus strand): 5'-TACTTGGTGTTAAGCCTGCTCTCTCTTCAGTGCCCCGACTCGGCTTGCAAGCAGGACCTG[C>T]TGGCCTACCTGCAACGCATCGCCCTCTACTGCCACCAGCTGAACATCTGCAGCAAGGTCA-3'
Protein context (NP_001894.2, residues 767-787): CPDSACKQDL[Leu777=]AYLQRIALYC